The following is an entry in ClinVar:

ClinVar aggregate classification (germline): Pathogenic (1 of 4 stars; one submission).

Submission:

GeneDx
Classification: Pathogenic. Last evaluated: 2017-06-02. Review status: criteria provided, single submitter. Criteria: GeneDx Variant Classification (06012015). Collection method: clinical testing. Allele origin: germline. Affected: yes.
Comment: The c.1105_1106insG pathogenic variant in the IKBKG gene causes a frameshift starting with codon Proline 369, changes this amino acid to an Arginine residue and creates a premature Stop codon at position 26 of the new reading frame, denoted p.Pro369ArgfsX26. This pathogenic variant is predicted to cause loss of normal protein function through protein truncation, as the last 51 amino acids are replaced by 25 incorrect amino acids. The c.1105_1106insG variant was not observed in approximately 6,500 individuals of European and African American ancestry in the NHLBI Exome Sequencing Project, indicating it is not a common benign variant in these populations. Although this variant has not been previously reported to our knowledge, we interpret c.1105_1106insG to be pathogenic.

NM_001099857.5(IKBKG):c.1105_1106insG (p.Pro369fs)

Gene: IKBKG (inhibitor of nuclear factor kappa B kinase regulatory subunit gamma; plus strand). Cytogenetic location: Xq28.
Variant type: Insertion.
Coding change: c.1105_1106insG on transcript NM_001099857.5 (MANE Select); coding-DNA positions 1105 to 1106, G inserted.
Protein change: p.Pro369fs; shifts the reading frame from proline 369.
Molecular consequence: frameshift variant. On other transcripts: non-coding transcript variant (1).
Genome position: GRCh38 VCF-style: chrX-154564008-C-CG. GRCh37 (hg19) VCF-style: chrX-153792223-C-CG.
Other names: c.1309_1310insG, p.Pro437fs (NM_001099856.6); c.808_809insG, p.Pro270fs (NM_001145255.4); c.1105_1106insG, p.Pro369fs (NM_001321396.3, NM_001377312.1, NM_003639.4); c.1102_1103insG, p.Pro368fs (NM_001321397.3, NM_001377313.1); c.949_950insG, p.Pro317fs (NM_001377314.1); c.736_737insG, p.Pro246fs (NM_001377315.1); short protein forms P368fs, P369fs, P270fs, P437fs, P246fs, P317fs.
Identifiers: ClinVar variation 420195 (VCV000420195.2), dbSNP rs1064794340, ClinGen allele CA16621263.
Genomic context (GRCh38, chrX:154,564,008, plus strand): 5'-TGTTTCCAAAGGATCGAGGACATGAGGAAGCGGCATGTCGAGGTCTCCCAGGCCCCCTTG[C>CG]CCCCCGCCCCTGGTGAGTGAGCGAGAACTGGGCCTGCGGGAGGAGGTGGGTGGGGAGGGC-3'